The following is an entry in ClinVar:

NM_001374828.1(ARID1B):c.1280C>T (p.Ala427Val)

Gene: ARID1B (AT-rich interaction domain 1B; plus strand). Cytogenetic location: 6q25.3.
Variant type: single nucleotide variant.
Coding change: c.1280C>T on transcript NM_001374828.1 (MANE Select); coding-DNA position 1280, C replaced by T.
Protein change: p.Ala427Val; replaces alanine 427 with valine.
Molecular consequence: missense variant.
Genome position (GRCh38, 1-based): chr6:156,778,960, C>T. VCF-style: chr6-156778960-C-T. GRCh37 (hg19) VCF-style: chr6-157100094-C-T.
Other names: c.1280C>T, p.Ala427Val (NM_001371656.1, NM_001374820.1, NM_017519.3); c.1031C>T (NM_020732.3); short protein forms A427V.
Identifiers: ClinVar variation 1273955 (VCV001273955.35), dbSNP rs530780611, ClinGen allele CA4066731.
Genomic context (GRCh38, chr6:156,778,960, plus strand): 5'-GAGGAGGAGGAGGAGCAGGAGCAGGAGGAGCAGGAGCGGGAGCTGTGGCGGCGGCGGCCG[C>T]GGCGGCGGCGGCAGCAGCAGGAGGCGGCGGCGGCGGCGGCTATGGGGGCTCGTCCGCGGG-3'
Protein context (NP_001361757.1, residues 417-437): AGAGAVAAAA[Ala427Val]AAAAAAGGGG

ClinVar aggregate classification (germline): Conflicting classifications of pathogenicity. Review status: criteria provided, conflicting classifications (1 of 4 stars). 7 submissions from 7 submitters: Uncertain significance (1); Benign (1); Likely benign (4). 1 of the submissions does not count toward it. Last evaluated 2026-03-01.

Conditions:
Inborn genetic diseases. Identifiers: MedGen C0950123, MeSH D030342.
Coffin-Siris syndrome 1 (CSS1). Also called: Mental retardation, autosomal dominant 12; ARID1B-Related Coffin-Siris Syndrome. Identifiers: Orphanet 1465, MedGen C3281201, MONDO:0007617, OMIM 135900. Disease mechanism: gain of function.
ARID1B-Related Disorder. Identifiers: MedGen CN381337.

Allele frequency attached by ClinVar (database versions not stated): 1000 Genomes Project 0.00040; gnomAD 0.00066 and 0.00068; gnomAD exomes 0.00068.
gnomAD v4.1: 943 of 1,267,526 alleles (0.074%); highest among the groups gnomAD compares: Admixed American, 0.2%; no homozygotes.

Submissions (7):

CeGaT Center for Human Genetics Tuebingen
Classification: Likely benign. Last evaluated: 2026-03-01. Review status: criteria provided, single submitter. Criteria: CeGaT Center For Human Genetics Tuebingen Variant Classification Criteria Version 2. Collection method: clinical testing. Allele origin: germline. Affected: yes. Observed: 3 variant alleles.
Comment: ARID1B: BS1

Labcorp Genetics (formerly Invitae), Labcorp
Classification: Likely benign. Last evaluated: 2026-02-03. Review status: criteria provided, single submitter. Criteria: Invitae Variant Classification Sherloc (09022015). Collection method: clinical testing. Allele origin: germline.

Blueprint Genetics
Classification: Likely benign. Last evaluated: 2024-10-11. Review status: criteria provided, single submitter. Criteria: ACMG Guidelines, 2015. Collection method: clinical testing. Allele origin: germline.

Ambry Genetics
Classification: Likely benign for Inborn genetic diseases. Last evaluated: 2024-08-01. Review status: criteria provided, single submitter. Criteria: Ambry Variant Classification Scheme 2023. Collection method: clinical testing. Allele origin: germline.

Revvity Omics, Revvity
Classification: Uncertain significance for Coffin-Siris syndrome 1. Last evaluated: 2020-04-02. Review status: criteria provided, single submitter. Criteria: ACMG Guidelines, 2015. Collection method: clinical testing. Allele origin: germline.

GeneDx
Classification: Benign. Last evaluated: 2019-10-14. Review status: criteria provided, single submitter. Criteria: GeneDx Variant Classification Process June 2021. Collection method: clinical testing. Allele origin: germline. Affected: yes.

PreventionGenetics, part of Exact Sciences
Classification: Likely benign for ARID1B-related condition. Last evaluated: 2023-12-21. Review status: no assertion criteria provided. Collection method: clinical testing. Allele origin: germline. Not counted in ClinVar's aggregate classification.
Comment: This variant is classified as likely benign based on ACMG/AMP sequence variant interpretation guidelines (Richards et al. 2015 PMID: 25741868, with internal and published modifications).